The following is an entry in ClinVar:

ClinVar aggregate classification (germline): Benign (1 of 4 stars; one submission).

Conditions:
Familial cancer of breast. Also called: BREAST CANCER, FAMILIAL; Hereditary breast cancer; hereditary breast carcinoma. Identifiers: Orphanet 227535, MedGen C0346153, MONDO:0016419, OMIM 114480. Disease mechanism: loss of function.

Submission:

Myriad Genetics, Inc.
Classification: Benign for Familial cancer of breast. Last evaluated: 2024-04-23. Review status: criteria provided, single submitter. Criteria: Myriad Autosomal Dominant, Autosomal Recessive and X-Linked Classification Criteria (2023). Collection method: clinical testing. Allele origin: unknown.
Comment: This variant is considered benign. This variant is a silent/synonymous amino acid change and it is not expected to impact splicing.

NM_000051.4(ATM):c.780C>G (p.Pro260=)

Gene: ATM (ATM serine/threonine kinase; plus strand). Cytogenetic location: 11q22.3.
Variant type: single nucleotide variant.
Coding change: c.780C>G on transcript NM_000051.4 (MANE Select); coding-DNA position 780, C replaced by G.
Protein change: p.Pro260=; no amino-acid change (proline 260 retained).
Molecular consequence: synonymous variant.
Genome position (GRCh38, 1-based): chr11:108,244,905, C>G. VCF-style: chr11-108244905-C-G. GRCh37 (hg19) VCF-style: chr11-108115632-C-G.
Other names: c.780C>G, p.Pro260= (NM_001351834.2).
Identifiers: ClinVar variation 3253961 (VCV003253961.1), dbSNP rs1591504144.